The following is an entry in ClinVar:

NM_000268.4(NF2):c.705A>C (p.Gly235=)

Gene: NF2 (NF2, moesin-ezrin-radixin like (MERLIN) tumor suppressor; plus strand). Cytogenetic location: 22q12.2.
Variant type: single nucleotide variant.
Coding change: c.705A>C on transcript NM_000268.4 (MANE Select); coding-DNA position 705, A replaced by C.
Protein change: p.Gly235=; no amino-acid change (glycine 235 retained).
Molecular consequence: synonymous variant. On other transcripts: non-coding transcript variant (1), intron variant (1).
Genome position (GRCh38, 1-based): chr22:29,661,234, A>C. VCF-style: chr22-29661234-A-C. GRCh37 (hg19) VCF-style: chr22-30057223-A-C.
Other names: c.705A>C, p.Gly235= (NM_016418.5, NM_181825.3, NM_181832.3); c.579A>C, p.Gly193= (NM_181828.3); c.582A>C, p.Gly194= (NM_181829.3); c.456A>C, p.Gly152= (NM_181830.3, NM_181831.3); c.447+18949A>C (NM_181833.3).
Identifiers: ClinVar variation 385259 (VCV000385259.18), dbSNP rs749331641, ClinGen allele CA034839.

ClinVar aggregate classification (germline): Likely benign. Review status: criteria provided, multiple submitters, no conflicts (2 of 4 stars). 4 submissions from 4 submitters: Likely benign (4). Last evaluated 2025-12-20.

Conditions:
Hereditary cancer-predisposing syndrome. Also called: Neoplastic Syndromes, Hereditary; Hereditary Cancer Syndrome; Hereditary neoplastic syndrome; Tumor predisposition. Identifiers: Orphanet 140162, MedGen C0027672, MeSH D009386, MONDO:0015356.
Neurofibromatosis, type 2 (SWNV). Also called: BILATERAL ACOUSTIC NEUROFIBROMATOSIS; SCHWANNOMATOSIS, VESTIBULAR; NF2-Related Schwannomatosis. Identifiers: Orphanet 637, MedGen C0027832, MONDO:0007039, OMIM 101000. Disease mechanism: loss of function.

Allele frequency attached by ClinVar (database versions not stated): gnomAD exomes below 0.00001 and 0.00001; ExAC 0.00002; gnomAD 0.00003; TOPMed 0.00004.
gnomAD v4.1: 6 of 1,614,116 alleles (0.00037%); highest among the groups gnomAD compares: African/African-American, 0.008%; no homozygotes.

Submissions (4):

Labcorp Genetics (formerly Invitae), Labcorp
Classification: Likely benign for Neurofibromatosis, type 2. Last evaluated: 2025-12-20. Review status: criteria provided, single submitter. Criteria: Invitae Variant Classification Sherloc (09022015). Collection method: clinical testing. Allele origin: germline.

Color Diagnostics, LLC DBA Color Health
Classification: Likely benign for Neurofibromatosis, type 2. Last evaluated: 2022-11-06. Review status: criteria provided, single submitter. Criteria: ACMG Guidelines, 2015. Collection method: clinical testing. Allele origin: germline.

Ambry Genetics
Classification: Likely benign for Hereditary cancer-predisposing syndrome. Last evaluated: 2022-03-07. Review status: criteria provided, single submitter. Criteria: Ambry Variant Classification Scheme 2023. Collection method: clinical testing. Allele origin: germline.

GeneDx
Classification: Likely benign. Last evaluated: 2016-04-06. Review status: criteria provided, single submitter. Criteria: GeneDx Variant Classification (06012015). Collection method: clinical testing. Allele origin: germline. Affected: yes.
Comment: This variant is considered likely benign or benign based on one or more of the following criteria: it is a conservative change, it occurs at a poorly conserved position in the protein, it is predicted to be benign by multiple in silico algorithms, and/or has population frequency not consistent with disease.